The following is an entry in ClinVar:

NM_001478.5(B4GALNT1):c.811+38_903del

Gene: B4GALNT1 (beta-1,4-N-acetyl-galactosaminyltransferase 1; minus strand). Cytogenetic location: 12q13.3.
Variant type: Deletion.
Coding change: c.811+38_903del on transcript NM_001478.5 (MANE Select); 38 bases into the intron after coding-DNA position 811 through coding-DNA position 903, 199 bases deleted.
Molecular consequence: splice acceptor variant.
Genome position (GRCh38, 1-based): chr12:57,628,812-57,629,010, 199 bases deleted. GRCh37 (hg19): chr12:58,022,597-58,022,795.
Other names: c.646+38_738del (NM_001413978.1, NM_001276468.2); c.-177+38_-85del (NM_001413984.1, NM_001413982.1, NM_001413981.1 and 1 more transcripts); c.713-107_804del (NM_001413977.1); c.811+38_903del (NM_001413970.1, NM_001413968.1, NM_001413967.1 and 7 more transcripts).
Identifiers: ClinVar variation 2769134 (VCV002769134.3), dbSNP rs2540658045, ClinGen allele CA2697559351.

ClinVar aggregate classification (germline): Likely pathogenic (1 of 4 stars; one submission).

Conditions:
Spastic paraplegia. Identifiers: MedGen C0037772, HP:0001258.

Submission:

Labcorp Genetics (formerly Invitae), Labcorp
Classification: Likely pathogenic for Spastic paraplegia. Last evaluated: 2023-10-16. Review status: criteria provided, single submitter. Criteria: Invitae Variant Classification Sherloc (09022015). Collection method: clinical testing. Allele origin: germline.
Comment: This variant results in the deletion of part of exon 8 (c.811+38_903del) of the B4GALNT1 gene. It is expected to disrupt RNA splicing. Variants that disrupt the donor or acceptor splice site typically lead to a loss of protein function (PMID: 16199547), and loss-of-function variants in B4GALNT1 are known to be pathogenic (PMID: 23746551). This variant is not present in population databases (gnomAD no frequency). This variant has not been reported in the literature in individuals affected with B4GALNT1-related conditions. In summary, the currently available evidence indicates that the variant is pathogenic, but additional data are needed to prove that conclusively. Therefore, this variant has been classified as Likely Pathogenic.

Literature cited by the submitters: PubMed 16199547; PubMed 23746551.